The following is an entry in ClinVar:

NM_001394807.1(ADPRHL1):c.1104C>T (p.Asp368=)

Gene: ADPRHL1 (ADP-ribosylhydrolase like 1; minus strand). Cytogenetic location: 13q34.
Variant type: single nucleotide variant.
Coding change: c.1104C>T on transcript NM_001394807.1 (MANE Select); coding-DNA position 1104, C replaced by T.
Protein change: p.Asp368=; no amino-acid change (aspartic acid 368 retained).
Molecular consequence: synonymous variant.
Genome position (GRCh38, 1-based): chr13:113,408,178, G>A on the plus strand (C>T on the coding strand, the complement: ADPRHL1 is on the minus strand). VCF-style: chr13-113408178-G-A. GRCh37 (hg19) VCF-style: chr13-114062493-G-A.
Other names: c.12C>T, p.Asp4= (NM_001304433.1, NM_001375393.1).
Identifiers: ClinVar variation 2644006 (VCV002644006.24), dbSNP rs555614333, ClinGen allele CA257193836.

ClinVar aggregate classification (germline): Likely benign (1 of 4 stars; one submission).

Allele frequency attached by ClinVar (database versions not stated): 1000 Genomes Project 0.00020; 1000 Genomes Project 30x 0.00031.
gnomAD v4.1: 474 of 1,232,028 alleles (0.038%); highest among the groups gnomAD compares: Non-Finnish European, 0.047%; no homozygotes.

Submission:

CeGaT Center for Human Genetics Tuebingen
Classification: Likely benign. Last evaluated: 2022-10-01. Review status: criteria provided, single submitter. Criteria: CeGaT Center For Human Genetics Tuebingen Variant Classification Criteria Version 2. Collection method: clinical testing. Allele origin: germline. Affected: yes. Observed: 1 variant allele.
Comment: ADPRHL1: BP4, BP7